The following is an entry in ClinVar:

NM_006158.5(NEFL):c.514C>T (p.Arg172Cys)

Gene: NEFL (neurofilament light chain; minus strand). Cytogenetic location: 8p21.2.
Variant type: single nucleotide variant.
Coding change: c.514C>T on transcript NM_006158.5 (MANE Select); coding-DNA position 514, C replaced by T.
Protein change: p.Arg172Cys; replaces arginine 172 with cysteine.
Molecular consequence: missense variant.
Genome position (GRCh38, 1-based): chr8:24,956,002, G>A on the plus strand (C>T on the coding strand, the complement: NEFL is on the minus strand). VCF-style: chr8-24956002-G-A. GRCh37 (hg19) VCF-style: chr8-24813516-G-A.
Other names: short protein forms R172C.
Identifiers: ClinVar variation 2805924 (VCV002805924.3), dbSNP rs1414210870, ClinGen allele CA370622229.

ClinVar aggregate classification (germline): Uncertain significance (1 of 4 stars; one submission).

Conditions:
Charcot-Marie-Tooth disease type 2E (CMT2E). Also called: CHARCOT-MARIE-TOOTH DISEASE, AXONAL, TYPE 2E; CHARCOT-MARIE-TOOTH NEUROPATHY, TYPE 2E. Identifiers: Orphanet 99939, MedGen C1843225, MONDO:0011894, OMIM 607684.

gnomAD v4.1: 1 of 1,604,218 alleles (0.000062%); highest among the groups gnomAD compares: South Asian, 0.0011%; no homozygotes.

Submission:

Labcorp Genetics (formerly Invitae), Labcorp
Classification: Uncertain significance for Charcot-Marie-Tooth disease type 2E. Last evaluated: 2023-06-04. Review status: criteria provided, single submitter. Criteria: Invitae Variant Classification Sherloc (09022015). Collection method: clinical testing. Allele origin: germline.
Comment: Advanced modeling of protein sequence and biophysical properties (such as structural, functional, and spatial information, amino acid conservation, physicochemical variation, residue mobility, and thermodynamic stability) performed at Invitae indicates that this missense variant is not expected to disrupt NEFL protein function. This sequence change replaces arginine, which is basic and polar, with cysteine, which is neutral and slightly polar, at codon 172 of the NEFL protein (p.Arg172Cys). This variant is not present in population databases (gnomAD no frequency). This variant has not been reported in the literature in individuals affected with NEFL-related conditions. In summary, the available evidence is currently insufficient to determine the role of this variant in disease. Therefore, it has been classified as a Variant of Uncertain Significance.